The following is an entry in ClinVar:

ClinVar aggregate classification (germline): Uncertain significance (1 of 4 stars; one submission).

Submission:

Labcorp Genetics (formerly Invitae), Labcorp
Classification: Uncertain significance. Last evaluated: 2025-08-18. Review status: criteria provided, single submitter. Criteria: Invitae Variant Classification Sherloc (09022015). Collection method: clinical testing. Allele origin: germline.
Comment: This sequence change replaces aspartic acid, which is acidic and polar, with glutamic acid, which is acidic and polar, at codon 1026 of the CCDC88A protein (p.Asp1026Glu). This variant is not present in population databases (gnomAD no frequency). This variant has not been reported in the literature in individuals affected with CCDC88A-related conditions. An algorithm developed to predict the effect of missense changes on protein structure and function outputs the following: PolyPhen-2: "Benign". The glutamic acid amino acid residue is found in multiple mammalian species, which suggests that this missense change does not adversely affect protein function. In summary, the available evidence is currently insufficient to determine the role of this variant in disease. Therefore, it has been classified as a Variant of Uncertain Significance.

NM_001365480.1(CCDC88A):c.3081C>A (p.Asp1027Glu)

Gene: CCDC88A (coiled-coil and HOOK domain protein 88A; minus strand). Cytogenetic location: 2p16.1.
Variant type: single nucleotide variant.
Coding change: c.3081C>A on transcript NM_001365480.1 (MANE Select); coding-DNA position 3081, C replaced by A.
Protein change: p.Asp1027Glu; replaces aspartic acid 1027 with glutamic acid.
Molecular consequence: missense variant.
Genome position (GRCh38, 1-based): chr2:55,322,609, G>T on the plus strand (C>A on the coding strand, the complement: CCDC88A is on the minus strand). VCF-style: chr2-55322609-G-T. GRCh37 (hg19) VCF-style: chr2-55549745-G-T.
Other names: c.3078C>A, p.Asp1026Glu (NM_001135597.2, NM_001254943.2); c.3081C>A, p.Asp1027Glu (NM_018084.5); short protein forms D1026E, D1027E.
Identifiers: ClinVar variation 4708250 (VCV004708250.1).
Genomic context (GRCh38, chr2:55,322,609, plus strand): 5'-TCTGTCTTTAACTTTCAGAAGTTCTCTAGTCGTTTCTTGACTTTCTCGCTCCCATTTGTT[G>T]TCTTCACCAGATATTGGAGGAGAGCTCTGTACCATCCTTTCCTCATCTTGTCTCTGTTTG-3'
Protein context (NP_001352409.1, residues 1017-1037): VQSSPPISGE[Asp1027Glu]NKWERESQET